The following is an entry in ClinVar:

ClinVar aggregate classification (germline): Likely benign. Review status: criteria provided, multiple submitters, no conflicts (2 of 4 stars). 2 submissions from 2 submitters: Likely benign (2). Last evaluated 2018-01-13.

Conditions:
Intestinal hypomagnesemia 1. Also called: HYPOMAGNESEMIA, INTESTINAL, WITH SECONDARY HYPOCALCEMIA; HYPOMAGNESEMIC TETANY. Identifiers: Orphanet 30924, MedGen C1865974, MONDO:0011176, OMIM 602014.

Allele frequency attached by ClinVar (database versions not stated): gnomAD 0.00034 and 0.00063; TOPMed 0.00035; gnomAD exomes 0.00092; 1000 Genomes Project 30x 0.00203; 1000 Genomes Project 0.00240.
gnomAD v4.1: 1,439 of 1,558,356 alleles (0.092%); highest among the groups gnomAD compares: South Asian, 1.2%; 28 homozygotes.

Submissions (2):

Illumina Laboratory Services, Illumina
Classification: Likely benign for Intestinal hypomagnesemia 1. Last evaluated: 2018-01-13. Review status: criteria provided, single submitter. Criteria: ICSL Variant Classification Criteria 13 December 2019. Collection method: clinical testing. Allele origin: germline.
Comment: This variant was observed in the ICSL laboratory as part of a predisposition screen in an ostensibly healthy population. It had not been previously curated by ICSL or reported in the Human Gene Mutation Database (HGMD: prior to June 1st, 2018), and was therefore a candidate for classification through an automated scoring system. Utilizing variant allele frequency, disease prevalence and penetrance estimates, and inheritance mode, an automated score was calculated to assess if this variant is too frequent to cause the disease. Based on the score and internal cut-off values, a variant classified as likely benign is not then subjected to further curation. The score for this variant resulted in a classification of likely benign for this disease.

Breakthrough Genomics
Classification: Likely benign. Review status: criteria provided, single submitter. Criteria: ACMG Guidelines, 2015. Collection method: not provided. Allele origin: germline. Inheritance: Autosomal recessive inheritance. Affected: yes.

NM_017662.5(TRPM6):c.*96C>G

Gene: TRPM6 (transient receptor potential cation channel subfamily M member 6; minus strand). Cytogenetic location: 9q21.13.
Variant type: single nucleotide variant.
Coding change: c.*96C>G on transcript NM_017662.5 (MANE Select); 96 bases downstream of the stop codon, C replaced by G.
Molecular consequence: 3 prime UTR variant.
Genome position (GRCh38, 1-based): chr9:74,724,517, G>C on the plus strand (C>G on the coding strand, the complement: TRPM6 is on the minus strand). VCF-style: chr9-74724517-G-C. GRCh37 (hg19) VCF-style: chr9-77339433-G-C.
Other names: c.*96C>G (NM_001177310.2, NM_001177311.2).
Identifiers: ClinVar variation 913288 (VCV000913288.5), dbSNP rs369609402, ClinGen allele CA193287016.
Genomic context (GRCh38, chr9:74,724,517, plus strand): 5'-TATACCAATGAGGCCTTTGAACAGAAGGAGATGTGAGGCTCAGAAGGCGTGTCCCAAGGA[G>C]ACGCTGATGTAATCAACATCACGTTGATCAATCTATGTTATCACAGAGTTCCTGGCAGGC-3'